The following is an entry in ClinVar:

NM_000429.3(MAT1A):c.426T>C (p.Ala142=)

Gene: MAT1A (methionine adenosyltransferase 1A; minus strand). Cytogenetic location: 10q22.3.
Variant type: single nucleotide variant.
Coding change: c.426T>C on transcript NM_000429.3 (MANE Select); coding-DNA position 426, T replaced by C.
Protein change: p.Ala142=; no amino-acid change (alanine 142 retained).
Molecular consequence: synonymous variant.
Genome position (GRCh38, 1-based): chr10:80,280,296, A>G on the plus strand (T>C on the coding strand, the complement: MAT1A is on the minus strand). VCF-style: chr10-80280296-A-G. GRCh37 (hg19) VCF-style: chr10-82040052-A-G.
Identifiers: ClinVar variation 256105 (VCV000256105.22), dbSNP rs1143694, ClinGen allele CA5576790.

ClinVar aggregate classification (germline): Benign. Review status: criteria provided, multiple submitters, no conflicts (2 of 4 stars). 7 submissions from 7 submitters: Benign (5). 2 of the submissions do not count toward it. Last evaluated 2026-02-03.

Conditions:
Hepatic methionine adenosyltransferase deficiency. Also called: MAT I/III DEFICIENCY; Isolated Persistent Hypermethioninemia; Methionine adenosyltransferase deficiency; Deficiency of methionine adenosyltransferase. Identifiers: Orphanet 168598, MedGen C0268621, MeSH C564683, MONDO:0009607, OMIM 250850.

Allele frequency attached by ClinVar (database versions not stated): gnomAD exomes 0.69827 and 0.75608; ESP Exome Variant Server 0.74842; ExAC 0.75430; gnomAD 0.76766 and 0.77161; TOPMed 0.78399; 1000 Genomes Project 30x 0.86118; 1000 Genomes Project 0.86342.

Submissions (7):

Labcorp Genetics (formerly Invitae), Labcorp
Classification: Benign for Hepatic methionine adenosyltransferase deficiency. Last evaluated: 2026-02-03. Review status: criteria provided, single submitter. Criteria: Invitae Variant Classification Sherloc (09022015). Collection method: clinical testing. Allele origin: germline.

Illumina Laboratory Services, Illumina
Classification: Benign for Hepatic methionine adenosyltransferase deficiency. Last evaluated: 2018-01-12. Review status: criteria provided, single submitter. Criteria: ICSL Variant Classification Criteria 13 December 2019. Collection method: clinical testing. Allele origin: germline.
Comment: This variant was observed in the ICSL laboratory as part of a predisposition screen in an ostensibly healthy population. It had not been previously curated by ICSL or reported in the Human Gene Mutation Database (HGMD: prior to June 1st, 2018), and was therefore a candidate for classification through an automated scoring system. Utilizing variant allele frequency, disease prevalence and penetrance estimates, and inheritance mode, an automated score was calculated to assess if this variant is too frequent to cause the disease. Based on the score and internal cut-off values, a variant classified as benign is not then subjected to further curation. The score for this variant resulted in a classification of benign for this disease.

GeneDx
Classification: Benign. Last evaluated: 2015-03-03. Review status: criteria provided, single submitter. Criteria: GeneDx Variant Classification Process June 2021. Collection method: clinical testing. Allele origin: germline. Affected: yes.

Breakthrough Genomics
Classification: Benign. Review status: criteria provided, single submitter. Criteria: ACMG Guidelines, 2015. Collection method: not provided. Allele origin: germline. Inheritance: Autosomal dominant inheritance. Affected: yes.

PreventionGenetics, part of Exact Sciences
Classification: Benign. Review status: criteria provided, single submitter. Criteria: ACMG Guidelines, 2015. Collection method: clinical testing. Allele origin: germline.

Diagnostic Laboratory, Department of Genetics, University Medical Center Groningen
Classification: Benign. Review status: no assertion criteria provided. Collection method: clinical testing. Allele origin: germline. Affected: yes. Study: VKGL Data-share Consensus. Not counted in ClinVar's aggregate classification.

Joint Genome Diagnostic Labs from Nijmegen and Maastricht, Radboudumc and MUMC+
Classification: Benign. Review status: no assertion criteria provided. Collection method: clinical testing. Allele origin: germline. Affected: yes. Study: VKGL Data-share Consensus. Not counted in ClinVar's aggregate classification.